The following is an entry in ClinVar:

NM_015512.5(DNAH1):c.5094+5G>A

Gene: DNAH1 (dynein axonemal heavy chain 1; plus strand). Cytogenetic location: 3p21.1.
Variant type: single nucleotide variant.
Coding change: c.5094+5G>A on transcript NM_015512.5 (MANE Select); 5 bases into the intron after coding-DNA position 5094, G replaced by A.
Molecular consequence: intron variant.
Genome position (GRCh38, 1-based): chr3:52,362,506, G>A. VCF-style: chr3-52362506-G-A. GRCh37 (hg19) VCF-style: chr3-52396522-G-A.
Identifiers: ClinVar variation 3377059 (VCV003377059.1).

ClinVar aggregate classification (germline): Uncertain significance (1 of 4 stars; one submission).

Conditions:
Ciliary dyskinesia, primary, 37 (CILD37). Also called: CILIARY DYSKINESIA, PRIMARY, 37, WITH OR WITHOUT SITUS INVERSUS. Identifiers: MedGen C4539798, MONDO:0033204, OMIM 617577.

gnomAD v4.1: 14 of 1,612,176 alleles (0.00087%); highest among the groups gnomAD compares: Non-Finnish European, 0.0012%; no homozygotes.

Submission:

Victorian Clinical Genetics Services, Murdoch Childrens Research Institute
Classification: Uncertain significance for Ciliary dyskinesia, primary, 37. Last evaluated: 2024-10-10. Review status: criteria provided, single submitter. Criteria: ACMG Guidelines, 2015. Collection method: clinical testing. Allele origin: germline. Inheritance: Autosomal recessive inheritance. Affected: yes.
Comment: Based on the classification scheme VCGS_Germline_v1.3.5, this variant is classified as VUS-3B. Following criteria are met: 0102 - Loss of function is a known mechanism of disease in this gene and is associated with ciliary dyskinesia, primary, 37 (MIM#617577) and spermatogenic failure 18 (MIM#617576). (I) 0106 - This gene is associated with autosomal recessive disease. (I) 0212 - Non-canonical splice site variant without proven consequence on splicing (no functional evidence available). (SP) 0251 - This variant is heterozygous. (I) 0304 - Variant is present in gnomAD (v4) <0.01 for a recessive condition (14 heterozygotes, 0 homozygotes). (SP) 0505 - Abnormal splicing is predicted by in silico tools and affected nucleotide is highly conserved. (SP) 0705 - No comparable splice variants have previous evidence for pathogenicity. (I) 0807 - This variant has no previous evidence of pathogenicity. (I) 0905 - No published segregation evidence has been identified for this variant. (I) 1007 - No published functional evidence has been identified for this variant. (I) 1208 - Inheritance information for this variant is not currently available in this individual. (I) Legend: (SP) - Supporting pathogenic, (I) - Information, (SB) - Supporting benign